The following is an entry in ClinVar:

NM_012199.5(AGO1):c.859G>T (p.Ala287Ser)

Genes: AGO1 (argonaute RISC component 1; plus strand), LOC126805695 (MED14-independent group 3 enhancer GRCh37_chr1:36359789-36360988; plus strand). Cytogenetic location: 1p34.3.
Variant type: single nucleotide variant.
Coding change: c.859G>T on transcript NM_012199.5 (MANE Select); coding-DNA position 859, G replaced by T.
Protein change: p.Ala287Ser; replaces alanine 287 with serine.
Molecular consequence: missense variant.
Genome position (GRCh38, 1-based): chr1:35,894,389, G>T. VCF-style: chr1-35894389-G-T. GRCh37 (hg19) VCF-style: chr1-36359990-G-T.
Other names: c.859G>T, p.Ala287Ser (NM_001317122.2); c.634G>T, p.Ala212Ser (NM_001317123.2); short protein forms A287S, A212S.
Identifiers: ClinVar variation 4992465 (VCV004992465.1).

ClinVar aggregate classification (germline): Uncertain significance (1 of 4 stars; one submission).

Conditions:
AGO1-related disorder. Also called: AGO1-related condition.

Submission:

PreventionGenetics, part of Exact Sciences
Classification: Uncertain significance for AGO1-related condition. Last evaluated: 2026-04-20. Review status: criteria provided, single submitter. Criteria: ACMG Guidelines, 2015. Collection method: clinical testing. Allele origin: germline.
Comment: The AGO1 c.859G>T variant is predicted to result in the amino acid substitution p.Ala287Ser. To our knowledge, this variant has not been reported in the literature or in a large population database (gnomAD), indicating this variant is rare. At this time, the clinical significance of this variant is uncertain due to the absence of conclusive functional and genetic evidence.